The following is an entry in ClinVar:

NM_000038.6(APC):c.-19+4298G>C

Gene: APC (APC regulator of WNT signaling pathway; plus strand). Cytogenetic location: 5q22.2.
Variant type: single nucleotide variant.
Coding change: c.-19+4298G>C on transcript NM_000038.6 (MANE Select); 4298 bases into the intron after 19 bases upstream of the start codon, G replaced by C.
Molecular consequence: intron variant.
Genome position (GRCh38, 1-based): chr5:112,742,223, G>C. VCF-style: chr5-112742223-G-C. GRCh37 (hg19) VCF-style: chr5-112077920-G-C.
Other names: c.-18-12650G>C (NM_001354895.2); c.166-24103G>C (NM_001354897.2, NM_001354902.2, NM_001127511.3); c.-19+3763G>C (NM_001127510.3); c.60+3763G>C (NM_001354898.2, NM_001354904.2); c.-1054+4298G>C (NM_001354906.2); c.-19+4298G>C (NM_001354896.2, NM_001354903.2, NM_001354899.2); c.-43+4298G>C (NM_001354900.2, NM_001354901.2, NM_001354905.2).
Identifiers: ClinVar variation 82761 (VCV000082761.2), dbSNP rs4705610, ClinGen allele CA006490.
Genomic context (GRCh38, chr5:112,742,223, plus strand): 5'-CATTATTAACTCAATACTGTTTTTAAGATCTATCCATTTTACTTTATGTCCATCTAGTTT[G>C]TGATGCTAACTCTGCTCTATAGTATTCTATAGTACCTATCACTGTTCCTCCAGTGAAGGC-3'

ClinVar aggregate classification (germline): other (0 of 4 stars; one submission).

Conditions:
Familial colorectal cancer. Identifiers: MedGen CN280943, MONDO:0023113. Disease mechanism: loss of function.

Allele frequency attached by ClinVar (database versions not stated): gnomAD 0.39230 and 0.40515; TOPMed 0.41010; 1000 Genomes Project 30x 0.43738.
gnomAD v4.1: 61,755 of 151,996 alleles (41%); highest among the groups gnomAD compares: East Asian, 68%; 14,886 homozygotes.

Submission:

Systems Biology Platform Zhejiang California International NanoSystems Institute
Classification: other for Familial colorectal cancer. Review status: no assertion criteria provided. Collection method: not provided. Allele origin: unknown.
ClinVar note: Converted during submission from cancer to other.